The following is an entry in ClinVar:

NM_022552.5(DNMT3A):c.1367del (p.Lys456fs)

Gene: DNMT3A (DNA methyltransferase 3 alpha; minus strand). Cytogenetic location: 2p23.3.
Variant type: Deletion.
Coding change: c.1367del on transcript NM_022552.5 (MANE Select); coding-DNA position 1367, one base deleted (A; older notation c.1367delA).
Protein change: p.Lys456fs; shifts the reading frame from lysine 456.
Molecular consequence: frameshift variant. On other transcripts: non-coding transcript variant (1).
Genome position (GRCh38, 1-based): chr2:25,246,222, T deleted on the plus strand (A on the coding strand, the reverse complement: DNMT3A is on the minus strand); the first of 5 consecutive T bases (chr2:25,246,222-25,246,226); deleting any one gives the same sequence. VCF-style (leftmost placement, unchanged base first): chr2-25246221-CT-C. GRCh37 (hg19) VCF-style: chr2-25469090-CT-C.
Other names: c.911del, p.Lys304fs (NM_001320893.1); c.698del, p.Lys233fs (NM_001375819.1); c.800del, p.Lys267fs (NM_153759.3); c.1367del, p.Lys456fs (NM_175629.2); c.1367delA (NM_022552.4); short protein forms K233fs, K267fs, K304fs, K456fs.
Identifiers: ClinVar variation 3254981 (VCV003254981.2), dbSNP rs1178623915.

ClinVar aggregate classification (germline): Pathogenic (1 of 4 stars; one submission).

Conditions:
Tatton-Brown-Rahman overgrowth syndrome. Also called: Tatton-Brown-Rahman syndrome; Tall stature-intellectual disability-facial dysmorphism syndrome. Identifiers: Orphanet 404443, MedGen C4014545, MONDO:0014382, OMIM 615879.

Submission:

Victorian Clinical Genetics Services, Murdoch Childrens Research Institute
Classification: Pathogenic for Tatton-Brown-Rahman overgrowth syndrome. Last evaluated: 2024-09-20. Review status: criteria provided, single submitter. Criteria: ACMG Guidelines, 2015. Collection method: clinical testing. Allele origin: germline. Inheritance: Autosomal dominant inheritance. Affected: yes.
Comment: Based on the classification scheme VCGS_Germline_v1.3.4, this variant is classified as Pathogenic. Following criteria are met: 0103 - Loss of function and gain of function are known mechanisms of disease in this gene, and are associated with disease. Loss of function has been associated with Tatton-Brown-Rahman syndrome (MIM#615879), while gain of function has been associated with Heyn-Sproul-Jackson syndrome (MIM#618724) and demonstrated for two missense variants (PMID: 30478443). (I) 0107 - This gene is associated with autosomal dominant disease. (I) 0201 - Variant is predicted to cause nonsense-mediated decay (NMD) and loss of protein (premature termination codon is located at least 54 nucleotides upstream of the final exon-exon junction). (SP) 0251 - This variant is heterozygous. (I) 0301 - Variant is absent from gnomAD (both v2 and v3). (SP) 0701 - Other NMD-predicted variants comparable to the one identified in this case have very strong previous evidence for pathogenicity (DECIPHER). (SP) 0807 - This variant has no previous evidence of pathogenicity. (I) 0905 - No published segregation evidence has been identified for this variant. (I) 1007 - No published functional evidence has been identified for this variant. (I) 1208 - Inheritance information for this variant is not currently available in this individual. (I) Legend: (SP) - Supporting pathogenic, (I) - Information, (SB) - Supporting benign

Literature cited by the submitters: PubMed 30478443.